The following is an entry in ClinVar:

NM_013339.4(ALG6):c.346+10C>A

Gene: ALG6 (ALG6 alpha-1,3-glucosyltransferase; plus strand). Cytogenetic location: 1p31.3.
Variant type: single nucleotide variant.
Coding change: c.346+10C>A on transcript NM_013339.4 (MANE Select); 10 bases into the intron after coding-DNA position 346, C replaced by A.
Molecular consequence: intron variant.
Genome position (GRCh38, 1-based): chr1:63,404,551, C>A. VCF-style: chr1-63404551-C-A. GRCh37 (hg19) VCF-style: chr1-63870222-C-A.
Other names: c.346+10C>A (LRG_1260t1).
Identifiers: ClinVar variation 513960 (VCV000513960.1), dbSNP rs1553155425, ClinGen allele CA658795474.
Genomic context (GRCh38, chr1:63,404,551, plus strand): 5'-CATCACGTGGATATGAGAGTCAGGCACATAAGCTCTTCATGCGTACAACAGGTAAAAGAG[C>A]AATGGGTAGTGAATATAAAATTTGATTTTTTAAAAATTTTGGACAAACTGGTAAAGGTAC-3'

ClinVar aggregate classification (germline): Likely benign (1 of 4 stars; one submission).

Submission:

GeneDx
Classification: Likely benign. Last evaluated: 2017-12-26. Review status: criteria provided, single submitter. Criteria: GeneDx Variant Classification (06012015). Collection method: clinical testing. Allele origin: germline. Affected: yes.
Comment: This variant is considered likely benign or benign based on one or more of the following criteria: it is a conservative change, it occurs at a poorly conserved position in the protein, it is predicted to be benign by multiple in silico algorithms, and/or has population frequency not consistent with disease.